The following is an entry in ClinVar:

NM_006506.5(RASA2):c.1691C>T (p.Thr564Ile)

Gene: RASA2 (RAS p21 protein activator 2; plus strand). Cytogenetic location: 3q23.
Variant type: single nucleotide variant.
Coding change: c.1691C>T on transcript NM_006506.5 (MANE Select); coding-DNA position 1691, C replaced by T.
Protein change: p.Thr564Ile; replaces threonine 564 with isoleucine.
Molecular consequence: missense variant.
Genome position (GRCh38, 1-based): chr3:141,581,116, C>T. VCF-style: chr3-141581116-C-T. GRCh37 (hg19) VCF-style: chr3-141299958-C-T.
Other names: c.1691C>T, p.Thr564Ile (NM_001303245.3, NM_001303246.3); short protein forms T564I.
Identifiers: ClinVar variation 4808295 (VCV004808295.1).
Genomic context (GRCh38, chr3:141,581,116, plus strand): 5'-TTCTCTATTTAACACATATAAACCCTGTGTTTGTTTTTTCTTAGTCAAGTTTCAAAGAGA[C>T]ATTCATGTGTGAATTTTTCAAAATGTTTCAAGAAGAAGGATATATTATAGCAGTTAAAAA-3'
Protein context (NP_006497.2, residues 554-574): LSKSKSSFKE[Thr564Ile]FMCEFFKMFQ

ClinVar aggregate classification (germline): Uncertain significance (1 of 4 stars; one submission).

gnomAD v4.1: 5 of 1,536,344 alleles (0.00033%); highest among the groups gnomAD compares: East Asian, 0.01%; no homozygotes.

Submission:

Labcorp Genetics (formerly Invitae), Labcorp
Classification: Uncertain significance. Last evaluated: 2025-05-18. Review status: criteria provided, single submitter. Criteria: Invitae Variant Classification Sherloc (09022015). Collection method: clinical testing. Allele origin: germline.
Comment: This sequence change replaces threonine, which is neutral and polar, with isoleucine, which is neutral and non-polar, at codon 564 of the RASA2 protein (p.Thr564Ile). This variant is not present in population databases (gnomAD no frequency). This variant has not been reported in the literature in individuals affected with RASA2-related conditions. Invitae Evidence Modeling of protein sequence and biophysical properties (such as structural, functional, and spatial information, amino acid conservation, physicochemical variation, residue mobility, and thermodynamic stability) indicates that this missense variant is not expected to disrupt RASA2 protein function with a negative predictive value of 80%. In summary, the available evidence is currently insufficient to determine the role of this variant in disease. Therefore, it has been classified as a Variant of Uncertain Significance.